The following is an entry in ClinVar:

ClinVar aggregate classification (germline): Pathogenic (1 of 4 stars; one submission).

Conditions:
Familial thoracic aortic aneurysm and aortic dissection (TAAD). Also called: Thoracic aortic aneurysms and dissections. Identifiers: Orphanet 91387, MedGen C4707243, MONDO:0019625.
Hereditary cancer-predisposing syndrome. Also called: Hereditary Cancer Syndrome; Hereditary neoplastic syndrome; Neoplastic Syndromes, Hereditary; Tumor predisposition. Identifiers: Orphanet 140162, MedGen C0027672, MeSH D009386, MONDO:0015356.

Submission:

Ambry Genetics
Classification: Pathogenic for Hereditary cancer-predisposing syndrome; Familial thoracic aortic aneurysm and aortic dissection. Last evaluated: 2018-12-29. Review status: criteria provided, single submitter. Criteria: Ambry Variant Classification Scheme 2023. Collection method: clinical testing. Allele origin: germline.
Comment: The c.1410_1413dupTGGC pathogenic mutation, located in coding exon 10 of the SMAD4 gene, results from a duplication of TGGC at nucleotide position 1410, causing a translational frameshift with a predicted alternate stop codon (p.P472Wfs*23). This alteration is expected to result in loss of function by premature protein truncation. As such, this alteration is interpreted as a disease-causing mutation.

NM_005359.6(SMAD4):c.1410_1413dup (p.Pro472fs)

Gene: SMAD4 (SMAD family member 4; plus strand). Cytogenetic location: 18q21.2.
Variant type: Duplication.
Coding change: c.1410_1413dup on transcript NM_005359.6 (MANE Select); coding-DNA positions 1410 to 1413, 4 bases duplicated (TGGC; older notation c.1410_1413dupTGGC).
Protein change: p.Pro472fs; shifts the reading frame from proline 472.
Molecular consequence: frameshift variant.
Genome position (GRCh38, 1-based): chr18:51,076,739-51,076,742, TGGC duplicated; duplicating any 4 consecutive bases within chr18:51,076,738-51,076,742 gives the same sequence; the c. name uses the placement nearest the transcript's 3' end. VCF-style (leftmost placement, unchanged base first): chr18-51076737-C-CCTGG. GRCh37 (hg19) VCF-style: chr18-48603107-C-CCTGG.
Other names: c.1410_1413dup, p.Pro472Trpfs (NM_001407041.1, NM_001407042.1); c.1410_1413dupTGGC (NM_005359.5); short protein forms P472fs.
Identifiers: ClinVar variation 1772006 (VCV001772006.2), dbSNP rs2511389821, ClinGen allele CA2580095843.